The following is an entry in ClinVar:

ClinVar aggregate classification (germline): Benign (1 of 4 stars; one submission).

gnomAD v4.1: 2,198 of 152,314 alleles (1.4%); highest among the groups gnomAD compares: Non-Finnish European, 2.1%; 21 homozygotes.

Submission:

Dasa
Classification: Benign. Last evaluated: 2025-12-19. Review status: criteria provided, single submitter. Criteria: DASA Assertion Criteria. Collection method: clinical testing. Allele origin: germline.
Comment: NM_014967.5(FAN1):c.1578-1424C>T is an intronic variant. Population frequency is inconsistent with a disease-causing role for this variant, observations in unaffected individuals support a benign interpretation, and the variant context is inconsistent with a known disease-causing mechanism. Therefore, based on the currently available evidence, this variant is classified as benign.

NM_014967.5(FAN1):c.1578-1424C>T

Gene: FAN1 (FANCD2 and FANCI associated nuclease 1; plus strand). Cytogenetic location: 15q13.3.
Variant type: single nucleotide variant.
Coding change: c.1578-1424C>T on transcript NM_014967.5 (MANE Select); 1424 bases into the intron before coding-DNA position 1578, C replaced by T.
Molecular consequence: intron variant.
Genome position (GRCh38, 1-based): chr15:30,912,434, C>T. VCF-style: chr15-30912434-C-T. GRCh37 (hg19) VCF-style: chr15-31204637-C-T.
Identifiers: ClinVar variation 4856938 (VCV004856938.2).
Genomic context (GRCh38, chr15:30,912,434, plus strand): 5'-TTATTTATGCTTTCTTAATCCTTGCAGGAGTCACTGCTTAGTTTTCTGTGTTTAATGCTT[C>T]CTTTTGCAGACTGGAGGCTGTGTCCACTGGGGCATCCCCGGGACTCTGCGTGGAGGTGGA-3'